The following is an entry in ClinVar:

NM_001166114.2(PNPLA6):c.1594C>T (p.Arg532Cys)

Gene: PNPLA6 (patatin like domain 6, lysophospholipase; plus strand). Cytogenetic location: 19p13.2.
Variant type: single nucleotide variant.
Coding change: c.1594C>T on transcript NM_001166114.2 (MANE Select); coding-DNA position 1594, C replaced by T.
Protein change: p.Arg532Cys; replaces arginine 532 with cysteine.
Molecular consequence: missense variant. On other transcripts: intron variant (1).
Genome position (GRCh38, 1-based): chr19:7,543,070, C>T. VCF-style: chr19-7543070-C-T. GRCh37 (hg19) VCF-style: chr19-7607956-C-T.
Other names: p.Arg493Cys; c.1621C>T, p.Arg541Cys (NM_001166111.2); c.1477C>T, p.Arg493Cys (NM_001166113.1, NM_006702.5); c.1413+142C>T (NM_001166112.2); short protein forms R493C, R532C, R541C.
Identifiers: ClinVar variation 330523 (VCV000330523.12), dbSNP rs745665473, ClinGen allele CA9139870.

ClinVar aggregate classification (germline): Uncertain significance. Review status: criteria provided, multiple submitters, no conflicts (2 of 4 stars). 5 submissions from 5 submitters: Uncertain significance (5). Last evaluated 2023-12-18.

Conditions:
Hereditary spastic paraplegia 39 (SPG39). Also called: SPASTIC PARAPLEGIA 39, AUTOSOMAL RECESSIVE; Spastic Paraplegia Type 39 (SPG39). Identifiers: Orphanet 139480, MedGen C2677586, MONDO:0012787, OMIM 612020.
Inborn genetic diseases. Identifiers: MedGen C0950123, MeSH D030342.

Allele frequency attached by ClinVar (database versions not stated): ExAC 0.00002; gnomAD exomes 0.00002; gnomAD 0.00003; TOPMed 0.00003.
gnomAD v4.1: 44 of 1,613,782 alleles (0.0027%); highest among the groups gnomAD compares: Admixed American, 0.0033%; no homozygotes.

Submissions (5):

Ambry Genetics
Classification: Uncertain significance for Inborn genetic diseases. Last evaluated: 2023-12-18. Review status: criteria provided, single submitter. Criteria: Ambry Variant Classification Scheme 2023. Collection method: clinical testing. Allele origin: germline.

Mayo Clinic Laboratories, Mayo Clinic
Classification: Uncertain significance. Last evaluated: 2023-05-26. Review status: criteria provided, single submitter. Criteria: ACMG Guidelines, 2015. Collection method: clinical testing. Allele origin: germline. Observed: 1 variant allele.
Comment: PM2

Blueprint Genetics
Classification: Uncertain significance. Last evaluated: 2022-10-13. Review status: criteria provided, single submitter. Criteria: ACMG Guidelines, 2015. Collection method: clinical testing. Allele origin: germline.

Labcorp Genetics (formerly Invitae), Labcorp
Classification: Uncertain significance for Hereditary spastic paraplegia 39. Last evaluated: 2021-08-27. Review status: criteria provided, single submitter. Criteria: Invitae Variant Classification Sherloc (09022015). Collection method: clinical testing. Allele origin: germline.
Comment: This sequence change replaces arginine with cysteine at codon 493 of the PNPLA6 protein (p.Arg493Cys). The arginine residue is moderately conserved and there is a large physicochemical difference between arginine and cysteine. This variant is present in population databases (rs745665473, ExAC 0.009%). This variant has not been reported in the literature in individuals affected with PNPLA6-related conditions. ClinVar contains an entry for this variant (Variation ID: 330523). Algorithms developed to predict the effect of missense changes on protein structure and function are either unavailable or do not agree on the potential impact of this missense change (SIFT: "Deleterious"; PolyPhen-2: "Benign"; Align-GVGD: "Class C25"). In summary, the available evidence is currently insufficient to determine the role of this variant in disease. Therefore, it has been classified as a Variant of Uncertain Significance.

Illumina Laboratory Services, Illumina
Classification: Uncertain significance for Hereditary spastic paraplegia 39. Last evaluated: 2018-01-13. Review status: criteria provided, single submitter. Criteria: ICSL Variant Classification Criteria 13 December 2019. Collection method: clinical testing. Allele origin: germline.